The following is an entry in ClinVar:

NM_145200.5(CABP4):c.436G>A (p.Asp146Asn)

Gene: CABP4 (calcium binding protein 4; plus strand). Cytogenetic location: 11q13.2.
Variant type: single nucleotide variant.
Coding change: c.436G>A on transcript NM_145200.5 (MANE Select); coding-DNA position 436, G replaced by A.
Protein change: p.Asp146Asn; replaces aspartic acid 146 with asparagine.
Molecular consequence: missense variant.
Genome position (GRCh38, 1-based): chr11:67,456,337, G>A. VCF-style: chr11-67456337-G-A. GRCh37 (hg19) VCF-style: chr11-67223808-G-A.
Other names: c.121G>A, p.Asp41Asn (NM_001300895.3, NM_001300896.3, NM_001379183.1); short protein forms D41N, D146N.
Identifiers: ClinVar variation 1391734 (VCV001391734.8), dbSNP rs2135177842, ClinGen allele CA381530025.

ClinVar aggregate classification (germline): Uncertain significance (1 of 4 stars; one submission).

Submission:

Labcorp Genetics (formerly Invitae), Labcorp
Classification: Uncertain significance. Last evaluated: 2025-04-28. Review status: criteria provided, single submitter. Criteria: Invitae Variant Classification Sherloc (09022015). Collection method: clinical testing. Allele origin: germline.
Comment: This sequence change replaces aspartic acid, which is acidic and polar, with asparagine, which is neutral and polar, at codon 146 of the CABP4 protein (p.Asp146Asn). This variant is not present in population databases (gnomAD no frequency). This variant has not been reported in the literature in individuals affected with CABP4-related conditions. ClinVar contains an entry for this variant (Variation ID: 1391734). Invitae Evidence Modeling of protein sequence and biophysical properties (such as structural, functional, and spatial information, amino acid conservation, physicochemical variation, residue mobility, and thermodynamic stability) has been performed for this missense variant. However, the output from this modeling did not meet the statistical confidence thresholds required to predict the impact of this variant on CABP4 protein function. In summary, the available evidence is currently insufficient to determine the role of this variant in disease. Therefore, it has been classified as a Variant of Uncertain Significance.